The following continues an entry in ClinVar:

NM_000540.3(RYR1):c.14126C>T (p.Thr4709Met)

Gene: RYR1. ClinVar aggregate classification (germline): Uncertain significance. Uncertain significance (1).

Submissions 18 to 22 of 22:

Center for Genomics, Ann and Robert H. Lurie Children's Hospital of Chicago
Classification: Pathogenic for Central core myopathy; King Denborough syndrome; Malignant hyperthermia, susceptibility to, 1; Congenital multicore myopathy with external ophthalmoplegia. Review status: criteria provided, single submitter. Criteria: ACMG Guidelines, 2015. Collection method: clinical testing. Allele origin: germline. Not counted in ClinVar's aggregate classification.
Comment: RYR1 NM_000540.2 exon 96 p.Thr4709Met (c.14126C>T): This variant has been reported in the literature in the compound heterozygous state or with monoallelic expression in at least 3 individuals with congenital myopathies (Zhou 2007 PMID:17483490, Bevilacqua 2011 PMID:21062345, Amburgey 2013 PMID:23919265). This variant is present in 0.08% (9/10346) of Ashkenazi Jewish alleles in the Genome Aggregation Database. Please note, disease causing variants may be present in control databases at low frequencies, reflective of the general population, carrier status, and/or variable expressivity. This variant is present in ClinVar, with several labs classifying this variant as pathogenic or likely pathogenic (Variation ID:65996). Evolutionary conservation and computational predictive tools suggest that this variant may impact the protein. Additionally, western blot studies on skeletal muscle tissue have demonstrated decreased protein expression, further supporting a deleterious effect of this variant (Zhou 2007 PMID:17483490). In summary, this variant is classified as pathogenic based on the data above.

Kasturba Medical College, Manipal, Kasturba Medical College, Manipal, Manipal Academy of Higher Education, Manipal, India
Classification: Likely pathogenic for Congenital multicore myopathy with external ophthalmoplegia. Review status: criteria provided, single submitter. Criteria: ACMG Guidelines, 2015. Collection method: research. Allele origin: biparental. Inheritance: Autosomal recessive inheritance. Affected: yes. Observed: 1 homozygote. Not counted in ClinVar's aggregate classification.
Comment: This variant is not observed in homozygous state in gnomAD (v4.1.0) population database and our in-house database of 3596 individuals. In-silico prediction tools (MutationTaster and REVEL) are consistent in predicting the variant to be damaging to the RYR1 protein function. The same variant is reported in two individuals in literature (Bevilacqua et al., 2011, Todd et al., 2018). The missense Z-score for this gene is 4.10 in gnomAD v4.1.0, suggesting that there is a low rate of benign missense variants.

Suma Genomics
Classification: Likely pathogenic for Central core myopathy; Congenital multicore myopathy with external ophthalmoplegia. Review status: criteria provided, single submitter. Criteria: ACMG Guidelines, 2015. Collection method: clinical testing. Allele origin: inherited. Inheritance: Autosomal recessive inheritance. Affected: yes. Not counted in ClinVar's aggregate classification.

GeneReviews
Classification: Pathogenic for Central Core Disease. Last evaluated: 2010-05-11. Review status: no assertion criteria provided. Collection method: curation. Allele origin: unknown. Not counted in ClinVar's aggregate classification.
ClinVar note: Converted during submission from pathologic to Pathogenic.

RYR1 database
No classification provided. Review status: no classification provided. Collection method: not provided. Allele origin: unknown. Not counted in ClinVar's aggregate classification.

Literature cited by the submitters: PubMed 17483490 (cited by 4 submitters); PubMed 23919265 (cited by 3 submitters); PubMed 31055738 (cited by Labcorp Genetics (formerly Invitae), Labcorp); PubMed 1743490 (cited by Labcorp Genetics (formerly Invitae), Labcorp); PubMed 17033962 (cited by Women's Health and Genetics/Laboratory Corporation of America, LabCorp); PubMed 32236737 (cited by Women's Health and Genetics/Laboratory Corporation of America, LabCorp); PubMed 32403337 (cited by Women's Health and Genetics/Laboratory Corporation of America, LabCorp); PubMed 21062345 (cited by Women's Health and Genetics/Laboratory Corporation of America, LabCorp and Illumina Laboratory Services, Illumina); PubMed 30611313 (cited by Women's Health and Genetics/Laboratory Corporation of America, LabCorp); PubMed 31107960 (cited by 4 submitters); PubMed 37670077 (cited by Women's Health and Genetics/Laboratory Corporation of America, LabCorp); PubMed 29172004 (cited by Illumina Laboratory Services, Illumina); PubMed 30155738 (cited by Illumina Laboratory Services, Illumina and Kasturba Medical College, Manipal, Kasturba Medical College, Manipal, Manipal Academy of Higher Education, Manipal, India); PubMed 26633545 (cited by Baylor Genetics); PubMed 22473935 (cited by Baylor Genetics).